The following is an entry in ClinVar:

ClinVar aggregate classification (germline): Uncertain significance (1 of 4 stars; one submission).

Conditions:
Autoimmune enteropathy and endocrinopathy - susceptibility to chronic infections syndrome. Also called: Immunodeficiency 31C; Immunodeficiency 31C, autosomal dominant. Identifiers: Orphanet 391487, MedGen C3279990, MONDO:0013599, OMIM 614162.
Mendelian susceptibility to mycobacterial diseases due to partial STAT1 deficiency. Also called: IMMUNODEFICIENCY 31A, MYCOBACTERIOSIS, AUTOSOMAL DOMINANT; STAT1 DEFICIENCY, AUTOSOMAL DOMINANT; Immunodeficiency 31a. Identifiers: Orphanet 319595, MedGen C4013950, MONDO:0013956, OMIM 614892.
Immunodeficiency 31B. Also called: IMMUNODEFICIENCY 31B, MYCOBACTERIAL AND VIRAL INFECTIONS, AUTOSOMAL RECESSIVE; STAT1 DEFICIENCY, AUTOSOMAL RECESSIVE. Identifiers: Orphanet 391311, MedGen C3151088, MONDO:0013427, OMIM 613796.

Submission:

Labcorp Genetics (formerly Invitae), Labcorp
Classification: Uncertain significance for Mendelian susceptibility to mycobacterial diseases due to partial STAT1 deficiency; Immunodeficiency 31B; Autoimmune enteropathy and endocrinopathy - susceptibility to chronic infections syndrome. Last evaluated: 2024-03-06. Review status: criteria provided, single submitter. Criteria: Invitae Variant Classification Sherloc (09022015). Collection method: clinical testing. Allele origin: germline.
Comment: This sequence change falls in intron 24 of the STAT1 gene. It does not directly change the encoded amino acid sequence of the STAT1 protein. It affects a nucleotide within the consensus splice site. This variant is not present in population databases (gnomAD no frequency). This variant has not been reported in the literature in individuals affected with STAT1-related conditions. Variants that disrupt the consensus splice site are a relatively common cause of aberrant splicing (PMID: 17576681, 9536098). Algorithms developed to predict the effect of sequence changes on RNA splicing suggest that this variant is not likely to affect RNA splicing. In summary, the available evidence is currently insufficient to determine the role of this variant in disease. Therefore, it has been classified as a Variant of Uncertain Significance.

Literature cited by the submitters: PubMed 17576681; PubMed 9536098.

NM_007315.4(STAT1):c.2238+6T>C

Gene: STAT1 (signal transducer and activator of transcription 1; minus strand). Cytogenetic location: 2q32.2.
Variant type: single nucleotide variant.
Coding change: c.2238+6T>C on transcript NM_007315.4 (MANE Select); 6 bases into the intron after coding-DNA position 2238, T replaced by C.
Molecular consequence: intron variant.
Genome position (GRCh38, 1-based): chr2:190,974,824, A>G on the plus strand (T>C on the coding strand, the complement: STAT1 is on the minus strand). VCF-style: chr2-190974824-A-G. GRCh37 (hg19) VCF-style: chr2-191839550-A-G.
Other names: c.2148+6T>C (NM_001384890.1); c.2139+6T>C (NM_001384883.1); c.2079+6T>C (NM_001384885.1); c.2145+6T>C (NM_001384887.1); c.2178+6T>C (NM_001384880.1); c.2208+6T>C (NM_001384888.1); c.2232+6T>C (NM_001384882.1); c.2226+6T>C (NM_001384889.1); and 4 more.
Identifiers: ClinVar variation 2927985 (VCV002927985.3), dbSNP rs2470407291, ClinGen allele CA2740096396.
Genomic context (GRCh38, chr2:190,974,824, plus strand): 5'-TGCGCTCCCTGCCTCTGAGCACACACACTTATTGAGAGCTACACACAGGCCAGCCGTGGT[A>G]CTCACCATACTGTCGAATTCTACAGAGCCCACTATCCGAGACACCTCGTCAAACTCCTCA-3'